The following is an entry in ClinVar:

NM_001457.4(FLNB):c.5888-3C>T

Gene: FLNB (filamin B; plus strand). Cytogenetic location: 3p14.3.
Variant type: single nucleotide variant.
Coding change: c.5888-3C>T on transcript NM_001457.4 (MANE Select); 3 bases into the intron before coding-DNA position 5888, C replaced by T.
Molecular consequence: intron variant.
Genome position (GRCh38, 1-based): chr3:58,148,646, C>T. VCF-style: chr3-58148646-C-T. GRCh37 (hg19) VCF-style: chr3-58134373-C-T.
Other names: c.5981-3C>T (NM_001164317.2); c.5855-3C>T (NM_001164318.2); c.5816-3C>T (NM_001164319.2).
Identifiers: ClinVar variation 1432886 (VCV001432886.6), dbSNP rs538716668, ClinGen allele CA2469205.

ClinVar aggregate classification (germline): Uncertain significance (1 of 4 stars; one submission).

Allele frequency attached by ClinVar (database versions not stated): gnomAD exomes 0.00004 and 0.00006; gnomAD 0.00006; ExAC 0.00007; 1000 Genomes Project 30x 0.00031; 1000 Genomes Project 0.00040.
gnomAD v4.1: 71 of 1,613,410 alleles (0.0044%); highest among the groups gnomAD compares: South Asian, 0.074%; no homozygotes.

Submission:

Labcorp Genetics (formerly Invitae), Labcorp
Classification: Uncertain significance. Last evaluated: 2024-11-30. Review status: criteria provided, single submitter. Criteria: Invitae Variant Classification Sherloc (09022015). Collection method: clinical testing. Allele origin: germline.
Comment: This sequence change falls in intron 35 of the FLNB gene. It does not directly change the encoded amino acid sequence of the FLNB protein. It affects a nucleotide within the consensus splice site. This variant is present in population databases (rs538716668, gnomAD 0.05%). This variant has not been reported in the literature in individuals affected with FLNB-related conditions. ClinVar contains an entry for this variant (Variation ID: 1432886). Variants that disrupt the consensus splice site are a relatively common cause of aberrant splicing (PMID: 17576681, 9536098). Algorithms developed to predict the effect of sequence changes on RNA splicing suggest that this variant is not likely to affect RNA splicing. In summary, the available evidence is currently insufficient to determine the role of this variant in disease. Therefore, it has been classified as a Variant of Uncertain Significance.

Literature cited by the submitters: PubMed 17576681; PubMed 9536098.